The following is an entry in ClinVar:

NM_030665.4(RAI1):c.767G>A (p.Ser256Asn)

Gene: RAI1 (retinoic acid induced 1; plus strand). Cytogenetic location: 17p11.2.
Variant type: single nucleotide variant.
Coding change: c.767G>A on transcript NM_030665.4 (MANE Select); coding-DNA position 767, G replaced by A.
Protein change: p.Ser256Asn; replaces serine 256 with asparagine.
Molecular consequence: missense variant.
Genome position (GRCh38, 1-based): chr17:17,793,715, G>A. VCF-style: chr17-17793715-G-A. GRCh37 (hg19) VCF-style: chr17-17697029-G-A.
Other names: short protein forms S256N.
Identifiers: ClinVar variation 1307113 (VCV001307113.6), dbSNP rs377028008, ClinGen allele CA8418187.

ClinVar aggregate classification (germline): Uncertain significance. Review status: criteria provided, multiple submitters, no conflicts (2 of 4 stars). 2 submissions from 2 submitters: Uncertain significance (2). Last evaluated 2022-02-24.

Allele frequency attached by ClinVar (database versions not stated): TOPMed below 0.00001; gnomAD 0.00001; gnomAD exomes 0.00001; ExAC 0.00003; ESP Exome Variant Server 0.00008.
gnomAD v4.1: 4 of 1,612,884 alleles (0.00025%); highest among the groups gnomAD compares: African/African-American, 0.0027%; no homozygotes.

Submissions (2):

Labcorp Genetics (formerly Invitae), Labcorp
Classification: Uncertain significance. Last evaluated: 2022-02-24. Review status: criteria provided, single submitter. Criteria: Invitae Variant Classification Sherloc (09022015). Collection method: clinical testing. Allele origin: germline.
Comment: ClinVar contains an entry for this variant (Variation ID: 1307113). In summary, the available evidence is currently insufficient to determine the role of this variant in disease. Therefore, it has been classified as a Variant of Uncertain Significance. This variant has not been reported in the literature in individuals affected with RAI1-related conditions. This variant is present in population databases (rs377028008, gnomAD 0.007%). This sequence change replaces serine, which is neutral and polar, with asparagine, which is neutral and polar, at codon 256 of the RAI1 protein (p.Ser256Asn). Algorithms developed to predict the effect of missense changes on protein structure and function output the following: SIFT: "Tolerated"; PolyPhen-2: "Benign"; Align-GVGD: "Class C0". The asparagine amino acid residue is found in multiple mammalian species, which suggests that this missense change does not adversely affect protein function.

GeneDx
Classification: Uncertain significance. Last evaluated: 2019-07-18. Review status: criteria provided, single submitter. Criteria: GeneDx Variant Classification Process June 2021. Collection method: clinical testing. Allele origin: germline. Affected: yes.
Comment: In silico analysis, which includes protein predictors and evolutionary conservation, supports that this variant does not alter protein structure/function; Has not been previously published as pathogenic or benign to our knowledge